The following is an entry in ClinVar:

ClinVar aggregate classification (germline): Conflicting classifications of pathogenicity. Review status: criteria provided, conflicting classifications (1 of 4 stars). 4 submissions from 4 submitters: Uncertain significance (3); Benign (1). Last evaluated 2025-09-15.

Conditions:
Cardiovascular phenotype. Identifiers: MedGen CN230736.
Long QT syndrome (LQTS). Identifiers: MedGen C0023976, MeSH D008133, MONDO:0002442. Disease mechanism: loss of function. Inheritance: Various modes of inheritance.
Long QT syndrome 12 (LQT12). Identifiers: Orphanet 101016, Orphanet 768, MedGen C2751830, MONDO:0013062, OMIM 612955.

Allele frequency attached by ClinVar (database versions not stated): gnomAD 0.00002 and 0.00003; gnomAD exomes 0.00003 and 0.00008; TOPMed 0.00003; ExAC 0.00004; 1000 Genomes Project 30x 0.00016; 1000 Genomes Project 0.00020.
gnomAD v4.1: 23 of 1,614,072 alleles (0.0014%); highest among the groups gnomAD compares: Admixed American, 0.038%; no homozygotes.

Submissions (4):

Labcorp Genetics (formerly Invitae), Labcorp
Classification: Uncertain significance for Long QT syndrome. Last evaluated: 2025-09-15. Review status: criteria provided, single submitter. Criteria: Invitae Variant Classification Sherloc (09022015). Collection method: clinical testing. Allele origin: germline.
Comment: This sequence change replaces leucine, which is neutral and non-polar, with arginine, which is basic and polar, at codon 463 of the SNTA1 protein (p.Leu463Arg). This variant is present in population databases (rs188835994, gnomAD 0.05%). This variant has not been reported in the literature in individuals affected with SNTA1-related conditions. ClinVar contains an entry for this variant (Variation ID: 449724). Invitae Evidence Modeling of protein sequence and biophysical properties (such as structural, functional, and spatial information, amino acid conservation, physicochemical variation, residue mobility, and thermodynamic stability) indicates that this missense variant is not expected to disrupt SNTA1 protein function with a negative predictive value of 80%. In summary, the available evidence is currently insufficient to determine the role of this variant in disease. Therefore, it has been classified as a Variant of Uncertain Significance.

Ambry Genetics
Classification: Benign for Cardiovascular phenotype. Last evaluated: 2025-06-03. Review status: criteria provided, single submitter. Criteria: Ambry Variant Classification Scheme 2023. Collection method: clinical testing. Allele origin: germline.

Fulgent Genetics
Classification: Uncertain significance for Long QT syndrome 12. Last evaluated: 2021-09-14. Review status: criteria provided, single submitter. Criteria: ACMG Guidelines, 2015. Collection method: clinical testing. Allele origin: unknown.

GeneDx
Classification: Uncertain significance. Last evaluated: 2017-07-05. Review status: criteria provided, single submitter. Criteria: GeneDx Variant Classification (06012015). Collection method: clinical testing. Allele origin: germline. Affected: yes.
Comment: The L463R variant of uncertain significance in the SNTA1 gene has not been published as pathogenic or been reported as benign to our knowledge. L463R has been observed in 5/11,572 (0.04%) alleles from individuals of Latino ancestry in the Exome Aggregation Consortium (Lek et al., 2016). The L463R variant is a non-conservative amino acid substitution, which is likely to impact secondary protein structure as these residues differ in polarity, charge, size and/or other properties. Moreover, this substitution occurs at a position that is conserved in mammals. However, in silico analysis is inconsistent in its predictions as to whether or not the variant is damaging to the protein structure/function.

NM_003098.3(SNTA1):c.1388T>G (p.Leu463Arg)

Gene: SNTA1 (syntrophin alpha 1; minus strand). Cytogenetic location: 20q11.21.
Variant type: single nucleotide variant.
Coding change: c.1388T>G on transcript NM_003098.3 (MANE Select); coding-DNA position 1388, T replaced by G.
Protein change: p.Leu463Arg; replaces leucine 463 with arginine.
Molecular consequence: missense variant.
Genome position (GRCh38, 1-based): chr20:33,408,738, A>C on the plus strand (T>G on the coding strand, the complement: SNTA1 is on the minus strand). VCF-style: chr20-33408738-A-C. GRCh37 (hg19) VCF-style: chr20-31996544-A-C.
Other names: short protein forms L463R.
Identifiers: ClinVar variation 449724 (VCV000449724.15), dbSNP rs188835994, ClinGen allele CA9816971.